The following is an entry in ClinVar:

NM_052947.4(ALPK2):c.6461C>A (p.Ser2154Tyr)

Gene: ALPK2 (alpha kinase 2; minus strand). Cytogenetic location: 18q21.31.
Variant type: single nucleotide variant.
Coding change: c.6461C>A on transcript NM_052947.4 (MANE Select); coding-DNA position 6461, C replaced by A.
Protein change: p.Ser2154Tyr; replaces serine 2154 with tyrosine.
Molecular consequence: missense variant.
Genome position (GRCh38, 1-based): chr18:58,481,875, G>T on the plus strand (C>A on the coding strand, the complement: ALPK2 is on the minus strand). VCF-style: chr18-58481875-G-T. GRCh37 (hg19) VCF-style: chr18-56149107-G-T.
Other names: short protein forms S2154Y.
Identifiers: ClinVar variation 1753662 (VCV001753662.2), dbSNP rs1348146324, ClinGen allele CA402538335.

ClinVar aggregate classification (germline): Uncertain significance (1 of 4 stars; one submission).

Submission:

Ambry Genetics
Classification: Uncertain significance. Last evaluated: 2021-12-11. Review status: criteria provided, single submitter. Criteria: Ambry Variant Classification Scheme 2023. Collection method: clinical testing. Allele origin: germline.
Comment: The p.S2154Y variant (also known as c.6461C>A), located in coding exon 12 of the ALPK2 gene, results from a C to A substitution at nucleotide position 6461. The serine at codon 2154 is replaced by tyrosine, an amino acid with dissimilar properties. This amino acid position is conserved. In addition, this alteration is predicted to be tolerated by in silico analysis. Since supporting evidence is limited at this time, the clinical significance of this alteration remains unclear.